The following is an entry in ClinVar:

NM_025074.7(FRAS1):c.275del (p.Pro92fs)

Gene: FRAS1 (Fraser extracellular matrix complex subunit 1; plus strand). Cytogenetic location: 4q21.21.
Variant type: Deletion.
Coding change: c.275del on transcript NM_025074.7 (MANE Select); coding-DNA position 275, one base deleted (C; older notation c.275delC).
Protein change: p.Pro92fs; shifts the reading frame from proline 92.
Molecular consequence: frameshift variant.
Genome position (GRCh38, 1-based): chr4:78,245,291, C deleted; the last of 2 consecutive C bases (chr4:78,245,290-78,245,291); deleting either gives the same sequence. VCF-style (leftmost placement, unchanged base first): chr4-78245289-TC-T. GRCh37 (hg19) VCF-style: chr4-79166443-TC-T.
Other names: c.275del, p.Pro92fs (NM_001166133.2); short protein forms P92fs.
Identifiers: ClinVar variation 2006581 (VCV002006581.4), dbSNP rs2476499310, ClinGen allele CA2580071808.

ClinVar aggregate classification (germline): Pathogenic (1 of 4 stars; one submission).

Submission:

Labcorp Genetics (formerly Invitae), Labcorp
Classification: Pathogenic. Last evaluated: 2022-06-05. Review status: criteria provided, single submitter. Criteria: Invitae Variant Classification Sherloc (09022015). Collection method: clinical testing. Allele origin: germline.
Comment: For these reasons, this variant has been classified as Pathogenic. Algorithms developed to predict the effect of sequence changes on RNA splicing suggest that this variant may disrupt the consensus splice site. This variant has not been reported in the literature in individuals affected with FRAS1-related conditions. This variant is not present in population databases (gnomAD no frequency). This sequence change creates a premature translational stop signal (p.Pro92Glnfs*83) in the FRAS1 gene. It is expected to result in an absent or disrupted protein product. Loss-of-function variants in FRAS1 are known to be pathogenic (PMID: 12766769, 18671281).

Literature cited by the submitters: PubMed 12766769; PubMed 18671281.